The following is an entry in ClinVar:

NM_001195518.2(MICU1):c.598G>T (p.Glu200Ter)

Gene: MICU1 (mitochondrial calcium uptake 1; minus strand). Cytogenetic location: 10q22.1.
Variant type: single nucleotide variant.
Coding change: c.598G>T on transcript NM_001195518.2 (MANE Select); coding-DNA position 598, G replaced by T.
Protein change: p.Glu200Ter; replaces glutamic acid 200 with a stop codon.
Molecular consequence: nonsense. On other transcripts: intron variant (1).
Genome position (GRCh38, 1-based): chr10:72,508,209, C>A on the plus strand (G>T on the coding strand, the complement: MICU1 is on the minus strand). VCF-style: chr10-72508209-C-A. GRCh37 (hg19) VCF-style: chr10-74267967-C-A.
Other names: c.616G>T, p.Glu206Ter (NM_001363513.2); c.604G>T, p.Glu202Ter (NM_006077.4); c.58+15593G>T (NM_001195519.2); short protein forms E200*, E202*, E206*.
Identifiers: ClinVar variation 1415240 (VCV001415240.6), dbSNP rs2132347847, ClinGen allele CA377394087.

ClinVar aggregate classification (germline): Pathogenic (1 of 4 stars; one submission).

gnomAD v4.1: 6 of 1,552,430 alleles (0.00039%); highest among the groups gnomAD compares: Non-Finnish European, 0.00053%; no homozygotes.

Submission:

Labcorp Genetics (formerly Invitae), Labcorp
Classification: Pathogenic. Last evaluated: 2022-10-17. Review status: criteria provided, single submitter. Criteria: Invitae Variant Classification Sherloc (09022015). Collection method: clinical testing. Allele origin: germline.
Comment: This sequence change creates a premature translational stop signal (p.Glu202*) in the MICU1 gene. It is expected to result in an absent or disrupted protein product. Loss-of-function variants in MICU1 are known to be pathogenic (PMID: 24336167). For these reasons, this variant has been classified as Pathogenic. Algorithms developed to predict the effect of sequence changes on RNA splicing suggest that this variant may disrupt the consensus splice site. ClinVar contains an entry for this variant (Variation ID: 1415240). This variant has not been reported in the literature in individuals affected with MICU1-related conditions. This variant is not present in population databases (gnomAD no frequency).

Literature cited by the submitters: PubMed 24336167.